The following is an entry in ClinVar:

ClinVar aggregate classification (germline): Likely benign. Review status: criteria provided, multiple submitters, no conflicts (2 of 4 stars). 2 submissions from 2 submitters: Likely benign (2). Last evaluated 2020-02-04.

Conditions:
Hereditary cancer-predisposing syndrome. Also called: Hereditary neoplastic syndrome; Hereditary Cancer Syndrome; Neoplastic Syndromes, Hereditary; Tumor predisposition. Identifiers: Orphanet 140162, MedGen C0027672, MeSH D009386, MONDO:0015356.

gnomAD v4.1: 1 of 1,614,146 alleles (0.000062%); highest among the groups gnomAD compares: African/African-American, 0.0013%; no homozygotes.

Submissions (2):

Ambry Genetics
Classification: Likely benign for Hereditary cancer-predisposing syndrome. Last evaluated: 2020-02-04. Review status: criteria provided, single submitter. Criteria: Ambry Variant Classification Scheme 2023. Collection method: clinical testing. Allele origin: germline.

GeneDx
Classification: Likely benign. Last evaluated: 2017-02-21. Review status: criteria provided, single submitter. Criteria: GeneDx Variant Classification (06012015). Collection method: clinical testing. Allele origin: germline. Affected: yes.
Comment: This variant is considered likely benign or benign based on one or more of the following criteria: it is a conservative change, it occurs at a poorly conserved position in the protein, it is predicted to be benign by multiple in silico algorithms, and/or has population frequency not consistent with disease.

NM_000179.3(MSH6):c.1693C>T (p.Leu565=)

Gene: MSH6 (mutS homolog 6; plus strand). Cytogenetic location: 2p16.3.
Variant type: single nucleotide variant.
Coding change: c.1693C>T on transcript NM_000179.3 (MANE Select); coding-DNA position 1693, C replaced by T.
Protein change: p.Leu565=; no amino-acid change (leucine 565 retained).
Molecular consequence: synonymous variant.
Genome position (GRCh38, 1-based): chr2:47,799,676, C>T. VCF-style: chr2-47799676-C-T. GRCh37 (hg19) VCF-style: chr2-48026815-C-T.
Other names: c.1303C>T, p.Leu435= (NM_001281492.2); c.787C>T, p.Leu263= (NM_001281493.2, NM_001281494.2).
Identifiers: ClinVar variation 507608 (VCV000507608.3), dbSNP rs1168297520, ClinGen allele CA426121517.
Genomic context (GRCh38, chr2:47,799,676, plus strand): 5'-AAAGAGGAAGATTCTTCTGGCCATACTCGTGCATATGGTGTGTGCTTTGTTGATACTTCA[C>T]TGGGAAAGTTTTTCATAGGTCAGTTTTCAGATGATCGCCATTGTTCGAGATTTAGGACTC-3'
Protein context (NP_000170.1, residues 555-575): AYGVCFVDTS[Leu565=]GKFFIGQFSD